The following is an entry in ClinVar:

NM_000018.4(ACADVL):c.1159G>A (p.Val387Ile)

Gene: ACADVL (acyl-CoA dehydrogenase very long chain; plus strand). Cytogenetic location: 17p13.1.
Variant type: single nucleotide variant.
Coding change: c.1159G>A on transcript NM_000018.4 (MANE Select); coding-DNA position 1159, G replaced by A.
Protein change: p.Val387Ile; replaces valine 387 with isoleucine.
Molecular consequence: missense variant.
Genome position (GRCh38, 1-based): chr17:7,223,214, G>A. VCF-style: chr17-7223214-G-A. GRCh37 (hg19) VCF-style: chr17-7126533-G-A.
Other names: c.1093G>A, p.Val365Ile (NM_001033859.3); c.1228G>A, p.Val410Ile (NM_001270447.2); c.931G>A, p.Val311Ile (NM_001270448.2); short protein forms V365I, V387I, V410I, V311I.
Identifiers: ClinVar variation 1345350 (VCV001345350.8), dbSNP rs1422904205, ClinGen allele CA397724477.

ClinVar aggregate classification (germline): Uncertain significance (1 of 4 stars; one submission).

Conditions:
Very long chain acyl-CoA dehydrogenase deficiency (ACADVLD). Also called: VLCAD Deficiency; Very Long-Chain Acyl-Coenzyme A Dehydrogenase Deficiency. Identifiers: Orphanet 26793, MedGen C3887523, MONDO:0008723, OMIM 201475.

Allele frequency attached by ClinVar (database versions not stated): gnomAD 0.00001; TOPMed 0.00001.
gnomAD v4.1: 3 of 1,613,832 alleles (0.00019%); highest among the groups gnomAD compares: Non-Finnish European, 0.00025%; no homozygotes.

Submission:

Labcorp Genetics (formerly Invitae), Labcorp
Classification: Uncertain significance for Very long chain acyl-CoA dehydrogenase deficiency. Last evaluated: 2024-07-25. Review status: criteria provided, single submitter. Criteria: Invitae Variant Classification Sherloc (09022015). Collection method: clinical testing. Allele origin: germline.
Comment: This sequence change replaces valine, which is neutral and non-polar, with isoleucine, which is neutral and non-polar, at codon 387 of the ACADVL protein (p.Val387Ile). This variant is present in population databases (no rsID available, gnomAD 0.007%). This variant has not been reported in the literature in individuals affected with ACADVL-related conditions. ClinVar contains an entry for this variant (Variation ID: 1345350). Advanced modeling of protein sequence and biophysical properties (such as structural, functional, and spatial information, amino acid conservation, physicochemical variation, residue mobility, and thermodynamic stability) has been performed at Invitae for this missense variant, however the output from this modeling did not meet the statistical confidence thresholds required to predict the impact of this variant on ACADVL protein function. In summary, the available evidence is currently insufficient to determine the role of this variant in disease. Therefore, it has been classified as a Variant of Uncertain Significance.